The following is an entry in ClinVar:

ClinVar aggregate classification (germline): Uncertain significance (1 of 4 stars; one submission).

gnomAD v4.1: 8 of 1,611,068 alleles (0.0005%); highest among the groups gnomAD compares: Non-Finnish European, 0.00068%; no homozygotes.

Submission:

Labcorp Genetics (formerly Invitae), Labcorp
Classification: Uncertain significance. Last evaluated: 2025-03-12. Review status: criteria provided, single submitter. Criteria: Invitae Variant Classification Sherloc (09022015). Collection method: clinical testing. Allele origin: germline.
Comment: This sequence change replaces leucine, which is neutral and non-polar, with methionine, which is neutral and non-polar, at codon 690 of the POLE protein (p.Leu690Met). This variant is not present in population databases (gnomAD no frequency). This variant has not been reported in the literature in individuals affected with POLE-related conditions. Invitae Evidence Modeling of protein sequence and biophysical properties (such as structural, functional, and spatial information, amino acid conservation, physicochemical variation, residue mobility, and thermodynamic stability) indicates that this missense variant is not expected to disrupt POLE protein function with a negative predictive value of 80%. In summary, the available evidence is currently insufficient to determine the role of this variant in disease. Therefore, it has been classified as a Variant of Uncertain Significance.

NM_006231.4(POLE):c.2068C>A (p.Leu690Met)

Gene: POLE (DNA polymerase epsilon, catalytic subunit; minus strand). Cytogenetic location: 12q24.33.
Variant type: single nucleotide variant.
Coding change: c.2068C>A on transcript NM_006231.4 (MANE Select); coding-DNA position 2068, C replaced by A.
Protein change: p.Leu690Met; replaces leucine 690 with methionine.
Molecular consequence: missense variant.
Genome position (GRCh38, 1-based): chr12:132,668,461, G>T on the plus strand (C>A on the coding strand, the complement: POLE is on the minus strand). VCF-style: chr12-132668461-G-T. GRCh37 (hg19) VCF-style: chr12-133245047-G-T.
Other names: short protein forms L690M.
Identifiers: ClinVar variation 4694979 (VCV004694979.1).